The following is an entry in ClinVar:

NM_033380.3(COL4A5):c.2768-10T>C

Gene: COL4A5 (collagen type IV alpha 5 chain; plus strand). Cytogenetic location: Xq22.3.
Variant type: single nucleotide variant.
Coding change: c.2768-10T>C on transcript NM_033380.3 (MANE Select); 10 bases into the intron before coding-DNA position 2768, T replaced by C.
Molecular consequence: intron variant.
Genome position (GRCh38, 1-based): chrX:108,622,666, T>C. VCF-style: chrX-108622666-T-C. GRCh37 (hg19) VCF-style: chrX-107865896-T-C.
Other names: c.2768-10T>C (NM_000495.5).
Identifiers: ClinVar variation 767459 (VCV000767459.15), dbSNP rs370284884, ClinGen allele CA10488986.

ClinVar aggregate classification (germline): Conflicting classifications of pathogenicity. Review status: criteria provided, conflicting classifications (1 of 4 stars). 3 submissions from 3 submitters: Uncertain significance (1); Benign (1). 1 of the submissions does not count toward it. Last evaluated 2025-12-02.

Conditions:
X-linked Alport syndrome (ATS1). Also called: COL4A5-Related Nephropathy; NEPHROPATHY AND DEAFNESS, X-LINKED. Identifiers: Orphanet 63, Orphanet 88917, MedGen C4746986, MONDO:0010520, OMIM 301050.

Allele frequency attached by ClinVar (database versions not stated): gnomAD exomes 0.00004 and 0.00010; ExAC 0.00011; gnomAD 0.00037 and 0.00038; TOPMed 0.00038; ESP Exome Variant Server 0.00047; 1000 Genomes Project 0.00053; 1000 Genomes Project 30x 0.00062.

Submissions (3):

GeneDx
Classification: Uncertain significance. Last evaluated: 2025-12-02. Review status: criteria provided, single submitter. Criteria: GeneDx Variant Classification Process June 2021. Collection method: clinical testing. Allele origin: germline. Affected: yes.
Comment: In silico analysis suggests this variant may impact gene splicing. In the absence of RNA/functional studies, the actual effect of this sequence change is unknown.; Has not been previously published as pathogenic or benign to our knowledge

Labcorp Genetics (formerly Invitae), Labcorp
Classification: Benign. Last evaluated: 2025-06-12. Review status: criteria provided, single submitter. Criteria: Invitae Variant Classification Sherloc (09022015). Collection method: clinical testing. Allele origin: germline.

Natera, Inc.
Classification: Likely benign for X-linked Alport syndrome. Last evaluated: 2020-12-08. Review status: no assertion criteria provided. Collection method: clinical testing. Allele origin: germline. Not counted in ClinVar's aggregate classification.